The following is an entry in ClinVar:

ClinVar aggregate classification (germline): Uncertain significance. Review status: criteria provided, multiple submitters, no conflicts (2 of 4 stars). 3 submissions from 3 submitters: Uncertain significance (3). Last evaluated 2025-09-15.

Conditions:
Hereditary nonpolyposis colorectal neoplasms. Identifiers: MedGen C0009405, MeSH D003123.
Hereditary cancer-predisposing syndrome. Also called: Neoplastic Syndromes, Hereditary; Tumor predisposition; Hereditary Cancer Syndrome; Hereditary neoplastic syndrome. Identifiers: Orphanet 140162, MedGen C0027672, MeSH D009386, MONDO:0015356.

Submissions (3):

Ambry Genetics
Classification: Uncertain significance for Hereditary cancer-predisposing syndrome. Last evaluated: 2025-09-15. Review status: criteria provided, single submitter. Criteria: Ambry Variant Classification Scheme 2023. Collection method: clinical testing. Allele origin: germline.
Comment: The p.C1129Y variant (also known as c.3386G>A), located in coding exon 5 of the MSH6 gene, results from a G to A substitution at nucleotide position 3386. The cysteine at codon 1129 is replaced by tyrosine, an amino acid with highly dissimilar properties. This variant has been reported in an individual affected with colorectal cancer (Yurgelun MB et al. J Clin Oncol, 2017 Apr;35:1086-1095). This amino acid position is highly conserved in available vertebrate species. In addition, this alteration is predicted to be deleterious by in silico analysis. Based on the available evidence, the clinical significance of this variant remains unclear.

Color Diagnostics, LLC DBA Color Health
Classification: Uncertain significance for Hereditary cancer-predisposing syndrome. Last evaluated: 2025-06-20. Review status: criteria provided, single submitter. Criteria: ACMG Guidelines, 2015. Collection method: clinical testing. Allele origin: germline.
Comment: This missense variant replaces cysteine with tyrosine at codon 1129 of the MSH6 protein. Computational prediction suggests that this variant may have deleterious impact on protein structure and function. To our knowledge, functional studies have not been reported for this variant. This variant has been reported in an individual affected with colorectal cancer in the literature (PMID: 28135145). This variant has not been identified in the general population by the Genome Aggregation Database (gnomAD). The available evidence is insufficient to determine the role of this variant in disease conclusively. Therefore, this variant is classified as a Variant of Uncertain Significance.

Labcorp Genetics (formerly Invitae), Labcorp
Classification: Uncertain significance for Hereditary nonpolyposis colorectal neoplasms. Last evaluated: 2022-04-09. Review status: criteria provided, single submitter. Criteria: Invitae Variant Classification Sherloc (09022015). Collection method: clinical testing. Allele origin: germline.
Comment: Algorithms developed to predict the effect of missense changes on protein structure and function are either unavailable or do not agree on the potential impact of this missense change (SIFT: "Deleterious"; PolyPhen-2: "Probably Damaging"; Align-GVGD: "Class C0"). In summary, the available evidence is currently insufficient to determine the role of this variant in disease. Therefore, it has been classified as a Variant of Uncertain Significance. This sequence change replaces cysteine, which is neutral and slightly polar, with tyrosine, which is neutral and polar, at codon 1129 of the MSH6 protein (p.Cys1129Tyr). This variant is not present in population databases (gnomAD no frequency). This missense change has been observed in individual(s) with colorectal cancer (PMID: 28135145).

Literature cited by the submitters: PubMed 28135145 (cited by 3 submitters).

NM_000179.3(MSH6):c.3386G>A (p.Cys1129Tyr)

Gene: MSH6 (mutS homolog 6; plus strand). Cytogenetic location: 2p16.3.
Variant type: single nucleotide variant.
Coding change: c.3386G>A on transcript NM_000179.3 (MANE Select); coding-DNA position 3386, G replaced by A.
Protein change: p.Cys1129Tyr; replaces cysteine 1129 with tyrosine.
Molecular consequence: missense variant.
Genome position (GRCh38, 1-based): chr2:47,803,633, G>A. VCF-style: chr2-47803633-G-A. GRCh37 (hg19) VCF-style: chr2-48030772-G-A.
Other names: c.2996G>A, p.Cys999Tyr (NM_001281492.2); c.2480G>A, p.Cys827Tyr (NM_001281493.2, NM_001281494.2, NM_001406811.1 and 6 more transcripts); c.3482G>A, p.Cys1161Tyr (NM_001406795.1, NM_001406802.1); c.3386G>A, p.Cys1129Tyr (NM_001406796.1, NM_001406800.1, NM_001406808.1 and 1 more transcripts); c.3089G>A, p.Cys1030Tyr (NM_001406797.1, NM_001406801.1, NM_001406805.1 and 10 more transcripts); c.3212G>A, p.Cys1071Tyr (NM_001406798.1); c.2861G>A, p.Cys954Tyr (NM_001406799.1, NM_001406806.1, NM_001406807.1); c.2522G>A, p.Cys841Tyr (NM_001406803.1); and 7 more; short protein forms C607Y, C827Y, C78Y, C1030Y, C1103Y, C1129Y, C1161Y, C954Y.
Identifiers: ClinVar variation 1730855 (VCV001730855.8), dbSNP rs1190499576, ClinGen allele CA346758834.
Genomic context (GRCh38, chr2:47,803,633, plus strand): 5'-TTCCTAATGACATTCTAATAGGCTGTGAGGAAGAGGAGCAGGAAAATGGCAAAGCCTATT[G>A]TGTGCTTGTTACTGGACCAAATATGGGGGGCAAGTCTACGCTTATGAGACAGGTAACTGA-3'
Protein context (NP_000170.1, residues 1119-1139): EEEQENGKAY[Cys1129Tyr]VLVTGPNMGG